The following is an entry in ClinVar:

NM_001348716.2(KDM6B):c.4630A>C (p.Met1544Leu)

Gene: KDM6B (lysine demethylase 6B; plus strand). Cytogenetic location: 17p13.1.
Variant type: single nucleotide variant.
Coding change: c.4630A>C on transcript NM_001348716.2 (MANE Select); coding-DNA position 4630, A replaced by C.
Protein change: p.Met1544Leu; replaces methionine 1544 with leucine.
Molecular consequence: missense variant.
Genome position (GRCh38, 1-based): chr17:7,853,019, A>C. VCF-style: chr17-7853019-A-C. GRCh37 (hg19) VCF-style: chr17-7756337-A-C.
Other names: c.4630A>C, p.Met1544Leu (NM_001080424.2); short protein forms M1544L.
Identifiers: ClinVar variation 1499800 (VCV001499800.6), dbSNP rs936833946, ClinGen allele CA287522251.

ClinVar aggregate classification (germline): Uncertain significance (1 of 4 stars; one submission).

Allele frequency attached by ClinVar (database versions not stated): gnomAD 0.00001; TOPMed 0.00002.

Submission:

Labcorp Genetics (formerly Invitae), Labcorp
Classification: Uncertain significance. Last evaluated: 2023-09-30. Review status: criteria provided, single submitter. Criteria: Invitae Variant Classification Sherloc (09022015). Collection method: clinical testing. Allele origin: germline.
Comment: This sequence change replaces methionine, which is neutral and non-polar, with leucine, which is neutral and non-polar, at codon 1544 of the KDM6B protein (p.Met1544Leu). This variant is not present in population databases (gnomAD no frequency). This variant has not been reported in the literature in individuals affected with KDM6B-related conditions. ClinVar contains an entry for this variant (Variation ID: 1499800). An algorithm developed to predict the effect of missense changes on protein structure and function (PolyPhen-2) suggests that this variant is likely to be tolerated. In summary, the available evidence is currently insufficient to determine the role of this variant in disease. Therefore, it has been classified as a Variant of Uncertain Significance.